The following is an entry in ClinVar:

ClinVar aggregate classification (germline): Uncertain significance (1 of 4 stars; one submission).

Submission:

Ambry Genetics
Classification: Uncertain significance. Last evaluated: 2025-10-02. Review status: criteria provided, single submitter. Criteria: Ambry Variant Classification Scheme 2023. Collection method: clinical testing. Allele origin: germline.
Comment: The p.P133R variant (also known as c.398C>G), located in coding exon 1 of the TET2 gene, results from a C to G substitution at nucleotide position 398. The proline at codon 133 is replaced by arginine, an amino acid with dissimilar properties. This amino acid position is conserved. In addition, this alteration is predicted to be tolerated by in silico analysis. Based on the available evidence, the clinical significance of this variant remains unclear.

NM_001127208.3(TET2):c.398C>G (p.Pro133Arg)

Genes: TET2 (tet methylcytosine dioxygenase 2; plus strand), TET2-AS1 (TET2 antisense RNA 1; minus strand). Cytogenetic location: 4q24.
Variant type: single nucleotide variant.
Coding change: c.398C>G on transcript NM_001127208.3 (MANE Select); coding-DNA position 398, C replaced by G.
Protein change: p.Pro133Arg; replaces proline 133 with arginine.
Molecular consequence: missense variant.
Genome position (GRCh38, 1-based): chr4:105,234,340, C>G. VCF-style: chr4-105234340-C-G. GRCh37 (hg19) VCF-style: chr4-106155497-C-G.
Other names: c.398C>G, p.Pro133Arg (NM_017628.4); short protein forms P133R.
Identifiers: ClinVar variation 4594136 (VCV004594136.1).